The following is an entry in ClinVar:

ClinVar aggregate classification (germline): Benign/Likely benign. Review status: criteria provided, multiple submitters, no conflicts (2 of 4 stars). 8 submissions from 8 submitters: Benign (2); Likely benign (3). 3 of the submissions do not count toward it. Last evaluated 2026-02-01.

Conditions:
CILK1-related disorder. Also called: CILK1-related condition.
Endocrine-cerebro-osteodysplasia syndrome. Identifiers: Orphanet 199332, MedGen C2675227, MONDO:0012980, OMIM 612651.
Epilepsy, juvenile myoclonic, susceptibility to, 10. Identifiers: MedGen C4693613, MONDO:0060671, OMIM 617924.

Submissions (8):

Labcorp Genetics (formerly Invitae), Labcorp
Classification: Benign. Last evaluated: 2026-02-01. Review status: criteria provided, single submitter. Criteria: Invitae Variant Classification Sherloc (09022015). Collection method: clinical testing. Allele origin: germline.

CeGaT Center for Human Genetics Tuebingen
Classification: Likely benign. Last evaluated: 2025-11-01. Review status: criteria provided, single submitter. Criteria: CeGaT Center For Human Genetics Tuebingen Variant Classification Criteria Version 2. Collection method: clinical testing. Allele origin: germline. Affected: yes. Observed: 5 variant alleles.
Comment: CILK1: PM4, BS1, BS2

ARUP Laboratories, Molecular Genetics and Genomics, ARUP Laboratories
Classification: Likely benign. Last evaluated: 2025-03-14. Review status: criteria provided, single submitter. Criteria: ARUP Molecular Germline Variant Investigation Process 2024. Collection method: clinical testing. Allele origin: germline.

Fulgent Genetics
Classification: Likely benign for Endocrine-cerebro-osteodysplasia syndrome; Epilepsy, juvenile myoclonic, susceptibility to, 10. Last evaluated: 2022-03-03. Review status: criteria provided, single submitter. Criteria: ACMG Guidelines, 2015. Collection method: clinical testing. Allele origin: unknown.

Eurofins Ntd Llc (ga)
Classification: Benign. Last evaluated: 2018-01-22. Review status: criteria provided, single submitter. Criteria: EGL Classification Definitions 2015. Collection method: clinical testing. Allele origin: germline. Observed: 1 variant allele, 1 heterozygote.

PreventionGenetics, part of Exact Sciences
Classification: Likely benign for CILK1-related condition. Last evaluated: 2019-05-01. Review status: no assertion criteria provided. Collection method: clinical testing. Allele origin: germline. Not counted in ClinVar's aggregate classification.
Comment: This variant is classified as likely benign based on ACMG/AMP sequence variant interpretation guidelines (Richards et al. 2015 PMID: 25741868, with internal and published modifications).

Clinical Genetics DNA and cytogenetics Diagnostics Lab, Erasmus MC, Erasmus Medical Center
Classification: Likely benign. Review status: no assertion criteria provided. Collection method: clinical testing. Allele origin: germline. Affected: yes. Study: VKGL Data-share Consensus. Not counted in ClinVar's aggregate classification.

Laboratory of Diagnostic Genome Analysis, Leiden University Medical Center (LUMC)
Classification: Benign. Review status: no assertion criteria provided. Collection method: clinical testing. Allele origin: germline. Affected: yes. Study: VKGL Data-share Consensus. Not counted in ClinVar's aggregate classification.

NM_014920.5(CILK1):c.1106_1117del (p.Pro369_Leu372del)

Gene: CILK1 (ciliogenesis associated kinase 1; minus strand). Cytogenetic location: 6p12.1.
Variant type: Deletion.
Coding change: c.1106_1117del on transcript NM_014920.5 (MANE Select); coding-DNA positions 1106 to 1117, 12 bases deleted (CAAGCCCGTTGC).
Protein change: p.Pro369_Leu372del.
Molecular consequence: inframe deletion. On other transcripts: non-coding transcript variant (1).
Genome position (GRCh38, 1-based): chr6:53,013,697-53,013,708, GCAACGGGCTTG deleted on the plus strand (CAAGCCCGTTGC on the coding strand, the reverse complement: CILK1 is on the minus strand); deleting any 12 consecutive bases within chr6:53,013,697-53,013,710 gives the same sequence; the c. name uses the placement nearest the transcript's 3' end. VCF-style (leftmost placement, unchanged base first): chr6-53013696-AGCAACGGGCTTG-A. GRCh37 (hg19) VCF-style: chr6-52878494-AGCAACGGGCTTG-A.
Other names: c.1106_1117del, p.Pro369_Leu372del (NM_001375397.1, NM_001375398.1, NM_001375399.1 and 4 more transcripts); c.1106_1117del12 (NM_016513.4).
Identifiers: ClinVar variation 595636 (VCV000595636.49), dbSNP rs201964851, ClinGen allele CA3858629.